The following is an entry in ClinVar:

NM_002335.4(LRP5):c.4248G>A (p.Ala1416=)

Gene: LRP5 (LDL receptor related protein 5; plus strand). Cytogenetic location: 11q13.2.
Variant type: single nucleotide variant.
Coding change: c.4248G>A on transcript NM_002335.4 (MANE Select); coding-DNA position 4248, G replaced by A.
Protein change: p.Ala1416=; no amino-acid change (alanine 1416 retained).
Molecular consequence: synonymous variant.
Genome position (GRCh38, 1-based): chr11:68,438,582, G>A. VCF-style: chr11-68438582-G-A. GRCh37 (hg19) VCF-style: chr11-68206050-G-A.
Other names: c.2505G>A, p.Ala835= (NM_001291902.2).
Identifiers: ClinVar variation 731010 (VCV000731010.14), dbSNP rs17848257, ClinGen allele CA6150292.

ClinVar aggregate classification (germline): Likely benign. Review status: criteria provided, multiple submitters, no conflicts (2 of 4 stars). 4 submissions from 4 submitters: Likely benign (3). 1 of the submissions does not count toward it. Last evaluated 2025-11-17.

Conditions:
Worth disease. Also called: OSTEOSCLEROSIS, AUTOSOMAL DOMINANT; ENDOSTEAL HYPEROSTOSIS, AUTOSOMAL DOMINANT; Autosomal dominant osteosclerosis, Worth type. Identifiers: Orphanet 2790, MedGen C0432273, MONDO:0007764, OMIM 144750.
Autosomal dominant osteopetrosis 1 (OPTA1). Also called: OSTEOPETROSIS, AUTOSOMAL DOMINANT, TYPE I. Identifiers: Orphanet 2783, MedGen C1843330, MONDO:0011877, OMIM 607634.
Polycystic liver disease 4 with or without kidney cysts. Identifiers: MedGen C4693479, MONDO:0044327, OMIM 617875.
Bone mineral density quantitative trait locus 1 (BMND1). Identifiers: MedGen C1866079, OMIM 601884.
Exudative vitreoretinopathy 4 (EVR4). Identifiers: Orphanet 891, MedGen C1866176, MONDO:0011151, OMIM 601813.
Osteoporosis with pseudoglioma (OPPG). Also called: osteoporosis-pseudoglioma syndrome. Identifiers: Orphanet 2788, MedGen C0432252, MONDO:0009820, OMIM 259770.
Exudative vitreoretinopathy 1 (EVR1). Also called: CRISWICK-SCHEPENS SYNDROME; FEVR, AUTOSOMAL DOMINANT; Familial exudative vitreoretinopathy, autosomal dominant. Identifiers: Orphanet 891, Orphanet 90050, MedGen C1851402, MONDO:0007589, OMIM 133780.
Osteoporosis. Identifiers: MedGen C0029456, MONDO:0005298, OMIM 166710, HP:0000939.
LRP5-related disorder. Also called: LRP5-related condition.

Allele frequency attached by ClinVar (database versions not stated): gnomAD 0.00002 and 0.00007; TOPMed 0.00003; ExAC 0.00007; gnomAD exomes 0.00011 and 0.00015; 1000 Genomes Project 30x 0.00062; 1000 Genomes Project 0.00080.
gnomAD v4.1: 231 of 1,614,042 alleles (0.014%); highest among the groups gnomAD compares: East Asian, 0.42%; no homozygotes.

Submissions (4):

Labcorp Genetics (formerly Invitae), Labcorp
Classification: Likely benign. Last evaluated: 2025-11-17. Review status: criteria provided, single submitter. Criteria: Invitae Variant Classification Sherloc (09022015). Collection method: clinical testing. Allele origin: germline.

Blueprint Genetics
Classification: Likely benign. Last evaluated: 2022-11-03. Review status: criteria provided, single submitter. Criteria: ACMG Guidelines, 2015. Collection method: clinical testing. Allele origin: germline.

Fulgent Genetics
Classification: Likely benign for Exudative vitreoretinopathy 1; Worth disease; Osteoporosis; Osteoporosis with pseudoglioma; Exudative vitreoretinopathy 4; Bone mineral density quantitative trait locus 1; Autosomal dominant osteopetrosis 1; Polycystic liver disease 4 with or without kidney cysts. Last evaluated: 2022-04-27. Review status: criteria provided, single submitter. Criteria: ACMG Guidelines, 2015. Collection method: clinical testing. Allele origin: unknown.

PreventionGenetics, part of Exact Sciences
Classification: Likely benign for LRP5-related condition. Last evaluated: 2024-09-25. Review status: no assertion criteria provided. Collection method: clinical testing. Allele origin: germline. Not counted in ClinVar's aggregate classification.
Comment: This variant is classified as likely benign based on ACMG/AMP sequence variant interpretation guidelines (Richards et al. 2015 PMID: 25741868, with internal and published modifications).